The following is an entry in ClinVar:

NM_001244008.2(KIF1A):c.3839T>G (p.Val1280Gly)

Genes: KIF1A (kinesin family member 1A; minus strand), LOC126806583 (P300/CBP strongly-dependent group 1 enhancer GRCh37_chr2:241678910-241680109; plus strand). Cytogenetic location: 2q37.3.
Variant type: single nucleotide variant.
Coding change: c.3839T>G on transcript NM_001244008.2 (MANE Select); coding-DNA position 3839, T replaced by G.
Protein change: p.Val1280Gly; replaces valine 1280 with glycine.
Molecular consequence: missense variant.
Genome position (GRCh38, 1-based): chr2:240,740,120, A>C on the plus strand (T>G on the coding strand, the complement: KIF1A is on the minus strand). VCF-style: chr2-240740120-A-C. GRCh37 (hg19) VCF-style: chr2-241679537-A-C.
Other names: c.3563T>G, p.Val1188Gly (NM_001320705.2, NM_001330289.2, NM_001379638.1); c.3638T>G, p.Val1213Gly (NM_001330290.2, NM_001379634.1, NM_001379635.1 and 1 more transcripts); c.3914T>G, p.Val1305Gly (NM_001379631.1); c.3788T>G, p.Val1263Gly (NM_001379632.1); c.3812T>G, p.Val1271Gly (NM_001379633.1, NM_001379642.1, NM_001379645.1); c.3536T>G, p.Val1179Gly (NM_001379636.1, NM_001379639.1, NM_001379641.1 and 6 more transcripts); c.3611T>G, p.Val1204Gly (NM_001379637.1, NM_001379648.1); c.3533T>G, p.Val1178Gly (NM_001379640.1); short protein forms V1179G, V1271G, V1305G, V1188G, V1213G, V1263G, V1178G, V1204G.
Identifiers: ClinVar variation 2923131 (VCV002923131.3), dbSNP rs2537143078, ClinGen allele CA351314516.

ClinVar aggregate classification (germline): Uncertain significance (1 of 4 stars; one submission).

Conditions:
Neuropathy, hereditary sensory, type 2C. Also called: Hereditary sensory and autonomic neuropathy type IIC; KIF1A-Related HSAN2 (HSAN2C). Identifiers: Orphanet 970, MedGen C3280168, MONDO:0013634, OMIM 614213.
Hereditary spastic paraplegia 30. Identifiers: Orphanet 101010, MedGen C5235139, MONDO:0012476.
Intellectual disability, autosomal dominant 9 (NESCAVS). Also called: NESCAV SYNDROME; KIF1A-Related Neurodevelopmental Disorder. Identifiers: Orphanet 662367, MedGen C5393830, MONDO:0013656, OMIM 614255.

Submission:

Labcorp Genetics (formerly Invitae), Labcorp
Classification: Uncertain significance for Hereditary spastic paraplegia 30; Neuropathy, hereditary sensory, type 2C; Intellectual disability, autosomal dominant 9. Last evaluated: 2023-11-02. Review status: criteria provided, single submitter. Criteria: Invitae Variant Classification Sherloc (09022015). Collection method: clinical testing. Allele origin: germline.
Comment: This sequence change replaces valine, which is neutral and non-polar, with glycine, which is neutral and non-polar, at codon 1179 of the KIF1A protein (p.Val1179Gly). This variant is not present in population databases (gnomAD no frequency). This variant has not been reported in the literature in individuals affected with KIF1A-related conditions. Advanced modeling of protein sequence and biophysical properties (such as structural, functional, and spatial information, amino acid conservation, physicochemical variation, residue mobility, and thermodynamic stability) performed at Invitae indicates that this missense variant is not expected to disrupt KIF1A protein function with a negative predictive value of 95%. In summary, the available evidence is currently insufficient to determine the role of this variant in disease. Therefore, it has been classified as a Variant of Uncertain Significance.